The following is an entry in ClinVar:

NM_001384474.1(LOXHD1):c.5498C>T (p.Pro1833Leu)

Gene: LOXHD1 (lipoxygenase homology PLAT domains 1; minus strand). Cytogenetic location: 18q21.1.
Variant type: single nucleotide variant.
Coding change: c.5498C>T on transcript NM_001384474.1 (MANE Select); coding-DNA position 5498, C replaced by T.
Protein change: p.Pro1833Leu; replaces proline 1833 with leucine.
Molecular consequence: missense variant.
Genome position (GRCh38, 1-based): chr18:46,509,717, G>A on the plus strand (C>T on the coding strand, the complement: LOXHD1 is on the minus strand). VCF-style: chr18-46509717-G-A. GRCh37 (hg19) VCF-style: chr18-44089680-G-A.
Other names: c.2165C>T, p.Pro722Leu (NM_001145472.3); c.215C>T, p.Pro72Leu (NM_001145473.3, NM_001173129.2); c.1877C>T, p.Pro626Leu (NM_001308013.2); c.5312C>T, p.Pro1771Leu (NM_144612.7); short protein forms P1833L, P722L, P72L, P1771L, P626L.
Identifiers: ClinVar variation 1432267 (VCV001432267.6), dbSNP rs772058659, ClinGen allele CA8952188.

ClinVar aggregate classification (germline): Uncertain significance. Review status: criteria provided, multiple submitters, no conflicts (2 of 4 stars). 2 submissions from 2 submitters: Uncertain significance (2). Last evaluated 2024-04-15.

Allele frequency attached by ClinVar (database versions not stated): gnomAD 0.00001; gnomAD exomes 0.00001 and 0.00003; TOPMed 0.00001; ExAC 0.00004.
gnomAD v4.1: 38 of 1,551,376 alleles (0.0024%); highest among the groups gnomAD compares: Non-Finnish European, 0.0031%; no homozygotes.

Submissions (2):

Blueprint Genetics
Classification: Uncertain significance. Last evaluated: 2024-04-15. Review status: criteria provided, single submitter. Criteria: ACMG Guidelines, 2015. Collection method: clinical testing. Allele origin: germline.

Labcorp Genetics (formerly Invitae), Labcorp
Classification: Uncertain significance. Last evaluated: 2021-08-31. Review status: criteria provided, single submitter. Criteria: Invitae Variant Classification Sherloc (09022015). Collection method: clinical testing. Allele origin: germline.
Comment: This sequence change replaces proline with leucine at codon 1771 of the LOXHD1 protein (p.Pro1771Leu). The proline residue is highly conserved and there is a moderate physicochemical difference between proline and leucine. This variant is present in population databases (rs772058659, ExAC no frequency). This variant has not been reported in the literature in individuals affected with LOXHD1-related conditions. Algorithms developed to predict the effect of missense changes on protein structure and function are either unavailable or do not agree on the potential impact of this missense change (SIFT: "Deleterious"; PolyPhen-2: "Probably Damaging"; Align-GVGD: "Class C0"). In summary, the available evidence is currently insufficient to determine the role of this variant in disease. Therefore, it has been classified as a Variant of Uncertain Significance.